The following is an entry in ClinVar:

ClinVar aggregate classification (germline): Uncertain significance (1 of 4 stars; one submission).

Conditions:
Candidiasis, familial, 8 (CANDF8). Identifiers: Orphanet 1334, MedGen C3714992, MONDO:0014230, OMIM 615527.

Allele frequency attached by ClinVar (database versions not stated): gnomAD 0.00003 and 0.00004; TOPMed 0.00008.
gnomAD v4.1: 92 of 1,613,896 alleles (0.0057%); highest among the groups gnomAD compares: East Asian, 0.065%; 1 homozygote.

Submission:

Labcorp Genetics (formerly Invitae), Labcorp
Classification: Uncertain significance for Candidiasis, familial, 8. Last evaluated: 2022-08-23. Review status: criteria provided, single submitter. Criteria: Invitae Variant Classification Sherloc (09022015). Collection method: clinical testing. Allele origin: germline.
Comment: This sequence change replaces arginine, which is basic and polar, with glutamine, which is neutral and polar, at codon 187 of the TRAF3IP2 protein (p.Arg187Gln). This variant is present in population databases (rs769293100, gnomAD 0.2%). This variant has not been reported in the literature in individuals affected with TRAF3IP2-related conditions. ClinVar contains an entry for this variant (Variation ID: 659314). Algorithms developed to predict the effect of missense changes on protein structure and function (SIFT, PolyPhen-2, Align-GVGD) all suggest that this variant is likely to be tolerated. In summary, the available evidence is currently insufficient to determine the role of this variant in disease. Therefore, it has been classified as a Variant of Uncertain Significance.

NM_147686.4(TRAF3IP2):c.560G>A (p.Arg187Gln)

Genes: TRAF3IP2 (TRAF3 interacting protein 2; minus strand), TRAF3IP2-AS1 (TRAF3IP2 antisense RNA 1; plus strand), LOC114803478 (TRAF3IP2 eExon liver enhancer; plus strand). Cytogenetic location: 6q21.
Variant type: single nucleotide variant.
Coding change: c.560G>A on transcript NM_147686.4 (MANE Select); coding-DNA position 560, G replaced by A.
Protein change: p.Arg187Gln; replaces arginine 187 with glutamine.
Molecular consequence: missense variant.
Genome position (GRCh38, 1-based): chr6:111,591,527, C>T on the plus strand (G>A on the coding strand, the complement: TRAF3IP2 is on the minus strand). VCF-style: chr6-111591527-C-T. GRCh37 (hg19) VCF-style: chr6-111912730-C-T.
Other names: c.560G>A, p.Arg187Gln (NM_001164281.3); c.587G>A, p.Arg196Gln (NM_147200.3); short protein forms R187Q, R196Q.
Identifiers: ClinVar variation 659314 (VCV000659314.7), dbSNP rs769293100, ClinGen allele CA3963300.